The following is an entry in ClinVar:

NM_138459.5(NUS1):c.842T>C (p.Leu281Pro)

Gene: NUS1 (NUS1 dehydrodolichyl diphosphate synthase subunit; plus strand). Cytogenetic location: 6q22.1.
Variant type: single nucleotide variant.
Coding change: c.842T>C on transcript NM_138459.5 (MANE Select); coding-DNA position 842, T replaced by C.
Protein change: p.Leu281Pro; replaces leucine 281 with proline.
Molecular consequence: missense variant.
Genome position (GRCh38, 1-based): chr6:117,706,975, T>C. VCF-style: chr6-117706975-T-C. GRCh37 (hg19) VCF-style: chr6-118028138-T-C.
Other names: short protein forms L281P.
Identifiers: ClinVar variation 2111020 (VCV002111020.4), dbSNP rs2482037951, ClinGen allele CA365537603.

ClinVar aggregate classification (germline): Uncertain significance (1 of 4 stars; one submission).

Conditions:
Congenital disorder of glycosylation, type Iaa. Also called: Congenital disorder of glycosylation, type 1aa. Identifiers: MedGen C4310727, MONDO:0014904, OMIM 617082.

Submission:

Labcorp Genetics (formerly Invitae), Labcorp
Classification: Uncertain significance for Congenital disorder of glycosylation, type Iaa. Last evaluated: 2024-05-15. Review status: criteria provided, single submitter. Criteria: Invitae Variant Classification Sherloc (09022015). Collection method: clinical testing. Allele origin: germline.
Comment: This sequence change replaces leucine, which is neutral and non-polar, with proline, which is neutral and non-polar, at codon 281 of the NUS1 protein (p.Leu281Pro). This variant is not present in population databases (gnomAD no frequency). This variant has not been reported in the literature in individuals affected with NUS1-related conditions. ClinVar contains an entry for this variant (Variation ID: 2111020). An algorithm developed to predict the effect of missense changes on protein structure and function (PolyPhen-2) suggests that this variant is likely to be disruptive. In summary, the available evidence is currently insufficient to determine the role of this variant in disease. Therefore, it has been classified as a Variant of Uncertain Significance.